The following is an entry in ClinVar:

ClinVar aggregate classification (germline): Uncertain significance (1 of 4 stars; one submission).

Conditions:
Hereditary cancer-predisposing syndrome. Also called: Neoplastic Syndromes, Hereditary; Tumor predisposition; Hereditary neoplastic syndrome; Hereditary Cancer Syndrome. Identifiers: Orphanet 140162, MedGen C0027672, MeSH D009386, MONDO:0015356.

Submission:

Ambry Genetics
Classification: Uncertain significance for Hereditary cancer-predisposing syndrome. Last evaluated: 2024-02-07. Review status: criteria provided, single submitter. Criteria: Ambry Variant Classification Scheme 2023. Collection method: clinical testing. Allele origin: germline.
Comment: The p.R1545S variant (also known as c.4633C>A), located in coding exon 32 of the SMARCA4 gene, results from a C to A substitution at nucleotide position 4633. The arginine at codon 1545 is replaced by serine, an amino acid with dissimilar properties. This amino acid position is highly conserved in available vertebrate species. In addition, the in silico prediction for this alteration is inconclusive. Based on the available evidence, the clinical significance of this alteration remains unclear.

NM_003072.5(SMARCA4):c.4537C>A (p.Arg1513Ser)

Gene: SMARCA4 (SWI/SNF related BAF chromatin remodeling complex subunit ATPase 4; plus strand). Cytogenetic location: 19p13.2.
Variant type: single nucleotide variant.
Coding change: c.4537C>A on transcript NM_003072.5 (MANE Select); coding-DNA position 4537, C replaced by A.
Protein change: p.Arg1513Ser; replaces arginine 1513 with serine.
Molecular consequence: missense variant. On other transcripts: non-coding transcript variant (1).
Genome position (GRCh38, 1-based): chr19:11,058,791, C>A. VCF-style: chr19-11058791-C-A. GRCh37 (hg19) VCF-style: chr19-11169467-C-A.
Other names: c.4537C>A, p.Arg1513Ser (NM_001128844.3); c.4447C>A, p.Arg1483Ser (NM_001128845.2); c.4444C>A, p.Arg1482Ser (NM_001128846.2); c.4438C>A, p.Arg1480Ser (NM_001128847.4, NM_001374457.1); c.4435C>A, p.Arg1479Ser (NM_001128848.2); c.4633C>A, p.Arg1545Ser (NM_001128849.3, NM_001387283.1); c.4534C>A, p.Arg1512Ser (NM_001411150.1); short protein forms R1480S, R1482S, R1483S, R1512S, R1513S, R1545S, R1479S.
Identifiers: ClinVar variation 3233127 (VCV003233127.1), dbSNP rs985886104, ClinGen allele CA404078656.